The following is an entry in ClinVar:

ClinVar aggregate classification (germline): Pathogenic. Review status: criteria provided, multiple submitters, no conflicts (2 of 4 stars). 2 submissions from 2 submitters: Pathogenic (2). Last evaluated 2023-12-08.

Conditions:
Osteogenesis imperfecta, perinatal lethal (OI2). Also called: OI, TYPE II; OSTEOGENESIS IMPERFECTA CONGENITA; OSTEOGENESIS IMPERFECTA, TYPE II; Osteogenesis imperfecta type 2; Osteogenesis imperfecta, dominant perinatal lethal; VROLIK TYPE OF OSTEOGENESIS IMPERFECTA. Identifiers: Orphanet 216804, MedGen C0268358, MONDO:0008147, OMIM 166210.

Submissions (2):

GeneDx
Classification: Pathogenic. Last evaluated: 2023-12-08. Review status: criteria provided, single submitter. Criteria: GeneDx Variant Classification Process June 2021. Collection method: clinical testing. Allele origin: germline. Affected: yes.
Comment: Occurs in the triple helical domain and replaces a glycine in a canonical Gly-X-Y repeat; missense substitution of a canonical glycine residue is expected to disrupt normal protein folding and function, and this is an established mechanism of disease (PMID: 34007986); In silico analysis supports that this missense variant has a deleterious effect on protein structure/function; Not observed at significant frequency in large population cohorts (gnomAD); This variant is associated with the following publications: (PMID: 17078022, 27509835, 34007986)

3billion
Classification: Pathogenic for Osteogenesis imperfecta, perinatal lethal. Last evaluated: 2021-10-02. Review status: criteria provided, single submitter. Criteria: ACMG Guidelines, 2015. Collection method: clinical testing. Allele origin: germline. Affected: yes. Observed: 1 heterozygote.
Comment: The missense variant is located in a mutational hot spot and/or well-established functional domain in which established pathogenic variants have been reported (PM1). It is not observed in the gnomAD v2.1.1 dataset (PM2). A different missense change at the same codon (p.Gly388Arg) has been reported as pathogenic (PMID: 25944380, PM5). The variant was observed as assumed (i.e. paternity and maternity not confirmed) de novoo (3billion dataset, PM6). In silico tool predictions suggest damaging effect of the variant on gene or gene product (REVEL: 0.976, 3Cnet: 0.997, PP3). Patient's phenotype is considered compatible with Osteogenesis imperfecta (3billion dataset, PP4). Therefore, this variant is classified as pathogenic according to the recommendation of ACMG/AMP guideline.

Literature cited by the submitters: PubMed 25944380 (cited by 3billion).

NM_000089.4(COL1A2):c.1163G>T (p.Gly388Val)

Gene: COL1A2 (collagen type I alpha 2 chain; plus strand). Cytogenetic location: 7q21.3.
Variant type: single nucleotide variant.
Coding change: c.1163G>T on transcript NM_000089.4 (MANE Select); coding-DNA position 1163, G replaced by T.
Protein change: p.Gly388Val; replaces glycine 388 with valine.
Molecular consequence: missense variant.
Genome position (GRCh38, 1-based): chr7:94,410,493, G>T. VCF-style: chr7-94410493-G-T. GRCh37 (hg19) VCF-style: chr7-94039805-G-T.
Other names: short protein forms G388V.
Identifiers: ClinVar variation 1320217 (VCV001320217.2), dbSNP rs72658106, ClinGen allele CA162921152.
Genomic context (GRCh38, chr7:94,410,493, plus strand): 5'-CCCAAGGTCCTCCTGGTCCCAGTGGTGAAGAAGGAAAGAGAGGCCCTAATGGGGAAGCTG[G>T]ATCTGCCGGCCCTCCAGGACCTCCTGGGCTGAGAGTAGGTTTCAAATGCTCCCAACACCC-3'
Protein context (NP_000080.2, residues 378-398): EGKRGPNGEA[Gly388Val]SAGPPGPPGL